The following is an entry in ClinVar:

NM_001943.5(DSG2):c.493G>T (p.Val165Phe)

Gene: DSG2 (desmoglein 2; plus strand). Cytogenetic location: 18q12.1.
Variant type: single nucleotide variant.
Coding change: c.493G>T on transcript NM_001943.5 (MANE Select); coding-DNA position 493, G replaced by T.
Protein change: p.Val165Phe; replaces valine 165 with phenylalanine.
Molecular consequence: missense variant.
Genome position (GRCh38, 1-based): chr18:31,521,213, G>T. VCF-style: chr18-31521213-G-T. GRCh37 (hg19) VCF-style: chr18-29101176-G-T.
Other names: short protein forms V165F.
Identifiers: ClinVar variation 2167443 (VCV002167443.6), dbSNP rs780081154, ClinGen allele CA049062.
Genomic context (GRCh38, chr18:31,521,213, plus strand): 5'-CTACGCATTAAGGTTCTTGATATCAATGACAACGAACCAGTGTTCACACAGGATGTCTTT[G>T]TTGGGTCTGTTGAAGAGTTGAGTGCAGCACGTAAGAGTCTTTTTTTTTTTTTTTAATAAA-3'
Protein context (NP_001934.2, residues 155-175): NEPVFTQDVF[Val165Phe]GSVEELSAAH

ClinVar aggregate classification (germline): Uncertain significance. Review status: criteria provided, multiple submitters, no conflicts (2 of 4 stars). 3 submissions from 3 submitters: Uncertain significance (3). Last evaluated 2024-02-05.

Conditions:
Arrhythmogenic right ventricular cardiomyopathy (ARVD). Also called: Arrhythmogenic right ventricular dysplasia; Cardiomyopathy, ARVC; Arrhythmogenic cardiomyopathy; Arrhythmogenic Right Ventricular Cardiomyopathy (ARVC). Identifiers: Orphanet 247, MedGen C0349788, MeSH D019571, MONDO:0016587. Disease mechanism: loss of function. Inheritance: Various modes of inheritance.
Arrhythmogenic right ventricular dysplasia 10. Also called: ARRHYTHMOGENIC RIGHT VENTRICULAR DYSPLASIA, FAMILIAL, 10; Arrhythmogenic Right Ventricular Dysplasia/Cardiomyopathy10; Arrhythmogenic right ventricular dysplasia/cardiomyopathy, type 10. Identifiers: MedGen C1857777, MONDO:0012434, OMIM 610193.
Cardiomyopathy (CMYO). Also called: Cardiomyopathies. Identifiers: Orphanet 167848, MedGen C0878544, MONDO:0004994, HP:0001638. Inheritance: Various modes of inheritance.

Allele frequency attached by ClinVar (database versions not stated): ExAC 0.00001.
gnomAD v4.1: 1 of 1,611,922 alleles (0.000062%); highest among the groups gnomAD compares: Non-Finnish European, 0.000085%; no homozygotes.

Submissions (3):

All of Us Research Program, National Institutes of Health
Classification: Uncertain significance for Arrhythmogenic right ventricular cardiomyopathy. Last evaluated: 2024-02-05. Review status: criteria provided, single submitter. Criteria: ACMG Guidelines, 2015. Collection method: clinical testing. Allele origin: germline. Inheritance: Autosomal dominant inheritance. Observed: 1 variant allele, 1 heterozygote.
Comment: This missense variant replaces valine with phenylalanine at codon 165 of the DSG2 protein. Computational prediction suggests that this variant may not impact protein structure and function (internally defined REVEL score threshold <= 0.5, PMID: 27666373). To our knowledge, functional studies have not been reported for this variant. This variant has not been reported in individuals affected with DSG2-related disorders in the literature. This variant has been identified in 1/249140 chromosomes in the general population by the Genome Aggregation Database (gnomAD). The available evidence is insufficient to determine the role of this variant in disease conclusively. Therefore, this variant is classified as a Variant of Uncertain Significance.

This study involves interpretation of variants in research participants for the purpose of population health screening. Participant phenotype was not available at the time of variant classification. Additional details can be found in publication PMID: 35346344, PMCID: PMC8962531

Color Diagnostics, LLC DBA Color Health
Classification: Uncertain significance for Cardiomyopathy. Last evaluated: 2023-11-22. Review status: criteria provided, single submitter. Criteria: ACMG Guidelines, 2015. Collection method: clinical testing. Allele origin: germline.
Comment: This missense variant replaces valine with phenylalanine at codon 165 of the DSG2 protein. Computational prediction suggests that this variant may not impact protein structure and function (internally defined REVEL score threshold <= 0.5, PMID: 27666373). To our knowledge, functional studies have not been reported for this variant. This variant has not been reported in individuals affected with DSG2-related disorders in the literature. This variant has been identified in 1/249140 chromosomes in the general population by the Genome Aggregation Database (gnomAD). The available evidence is insufficient to determine the role of this variant in disease conclusively. Therefore, this variant is classified as a Variant of Uncertain Significance.

Labcorp Genetics (formerly Invitae), Labcorp
Classification: Uncertain significance for Arrhythmogenic right ventricular dysplasia 10. Last evaluated: 2022-06-07. Review status: criteria provided, single submitter. Criteria: Invitae Variant Classification Sherloc (09022015). Collection method: clinical testing. Allele origin: germline.
Comment: This sequence change replaces valine, which is neutral and non-polar, with phenylalanine, which is neutral and non-polar, at codon 165 of the DSG2 protein (p.Val165Phe). The frequency data for this variant in the population databases is considered unreliable, as metrics indicate poor data quality at this position in the gnomAD database. This variant has not been reported in the literature in individuals affected with DSG2-related conditions. Algorithms developed to predict the effect of missense changes on protein structure and function output the following: SIFT: "Tolerated"; PolyPhen-2: "Benign"; Align-GVGD: "Class C0". The phenylalanine amino acid residue is found in multiple mammalian species, which suggests that this missense change does not adversely affect protein function. In summary, the available evidence is currently insufficient to determine the role of this variant in disease. Therefore, it has been classified as a Variant of Uncertain Significance.